The following is an entry in ClinVar:

ClinVar aggregate classification (germline): Uncertain significance (1 of 4 stars; one submission).

Submission:

GeneDx
Classification: Uncertain significance. Last evaluated: 2024-04-03. Review status: criteria provided, single submitter. Criteria: GeneDx Variant Classification Process June 2021. Collection method: clinical testing. Allele origin: germline. Affected: yes.
Comment: Not observed at significant frequency in large population cohorts (gnomAD); In silico analysis supports that this missense variant does not alter protein structure/function; Has not been previously published as pathogenic or benign to our knowledge

NM_001378183.1(PIEZO2):c.4583A>G (p.Gln1528Arg)

Gene: PIEZO2 (piezo type mechanosensitive ion channel component 2; minus strand). Cytogenetic location: 18p11.22.
Variant type: single nucleotide variant.
Coding change: c.4583A>G on transcript NM_001378183.1 (MANE Select); coding-DNA position 4583, A replaced by G.
Protein change: p.Gln1528Arg; replaces glutamine 1528 with arginine.
Molecular consequence: missense variant.
Genome position (GRCh38, 1-based): chr18:10,742,547, T>C on the plus strand (A>G on the coding strand, the complement: PIEZO2 is on the minus strand). VCF-style: chr18-10742547-T-C. GRCh37 (hg19) VCF-style: chr18-10742545-T-C.
Other names: c.4583A>G, p.Gln1528Arg (NM_001410871.1); c.4508A>G, p.Gln1503Arg (NM_022068.4); short protein forms Q1503R, Q1528R.
Identifiers: ClinVar variation 3371996 (VCV003371996.1).